The following is an entry in ClinVar:

ClinVar aggregate classification (germline): Uncertain significance (1 of 4 stars; one submission).

Submission:

Ambry Genetics
Classification: Uncertain significance. Last evaluated: 2026-04-18. Review status: criteria provided, single submitter. Criteria: Ambry Variant Classification Scheme 2023. Collection method: clinical testing. Allele origin: germline.
Comment: The p.R1415K variant (also known as c.4244G>A), located in coding exon 39 of the KIF1B gene, results from a G to A substitution at nucleotide position 4244. The arginine at codon 1415 is replaced by lysine, an amino acid with highly similar properties. This amino acid position is conserved. In addition, the in silico prediction for this alteration is inconclusive. Based on the available evidence, the clinical significance of this variant remains unclear.

NM_001365951.3(KIF1B):c.4382G>A (p.Arg1461Lys)

Gene: KIF1B (kinesin family member 1B; plus strand). Cytogenetic location: 1p36.22.
Variant type: single nucleotide variant.
Coding change: c.4382G>A on transcript NM_001365951.3 (MANE Select); coding-DNA position 4382, G replaced by A.
Protein change: p.Arg1461Lys; replaces arginine 1461 with lysine.
Molecular consequence: missense variant.
Genome position (GRCh38, 1-based): chr1:10,365,115, G>A. VCF-style: chr1-10365115-G-A. GRCh37 (hg19) VCF-style: chr1-10425173-G-A.
Other names: c.4382G>A, p.Arg1461Lys (NM_001365952.1); c.4244G>A, p.Arg1415Lys (NM_015074.3); short protein forms R1415K, R1461K.
Identifiers: ClinVar variation 4858838 (VCV004858838.1).